The following is an entry in ClinVar:

NM_032776.3(JMJD1C):c.5250A>G (p.Val1750=)

Gene: JMJD1C (jumonji domain containing 1C; minus strand). Cytogenetic location: 10q21.3.
Variant type: single nucleotide variant.
Coding change: c.5250A>G on transcript NM_032776.3 (MANE Select); coding-DNA position 5250, A replaced by G.
Protein change: p.Val1750=; no amino-acid change (valine 1750 retained).
Molecular consequence: synonymous variant.
Genome position (GRCh38, 1-based): chr10:63,200,502, T>C on the plus strand (A>G on the coding strand, the complement: JMJD1C is on the minus strand). VCF-style: chr10-63200502-T-C. GRCh37 (hg19) VCF-style: chr10-64960262-T-C.
Other names: c.4704A>G, p.Val1568= (NM_001282948.2, NM_001318154.2); c.4386A>G, p.Val1462= (NM_001318153.2); c.5136A>G, p.Val1712= (NM_001322252.2); c.4593A>G, p.Val1531= (NM_001322254.2, NM_001322258.2).
Identifiers: ClinVar variation 770054 (VCV000770054.13), dbSNP rs369497646, ClinGen allele CA5518130.

ClinVar aggregate classification (germline): Likely benign. Review status: criteria provided, multiple submitters, no conflicts (2 of 4 stars). 3 submissions from 3 submitters: Likely benign (2). 1 of the submissions does not count toward it. Last evaluated 2026-08-01.

Conditions:
JMJD1C-related disorder. Also called: JMJD1C-related condition.
Early Myoclonic Encephalopathy. Identifiers: MedGen C0270855.

Allele frequency attached by ClinVar (database versions not stated): gnomAD exomes 0.00013 and 0.00024; ExAC 0.00027; ESP Exome Variant Server 0.00051; gnomAD 0.00056; TOPMed 0.00065; 1000 Genomes Project 0.00080; 1000 Genomes Project 30x 0.00125.
gnomAD v4.1: 290 of 1,613,778 alleles (0.018%); highest among the groups gnomAD compares: African/African-American, 0.15%; 1 homozygote.

Submissions (3):

CeGaT Center for Human Genetics Tuebingen
Classification: Likely benign. Last evaluated: 2026-08-01. Review status: criteria provided, single submitter. Criteria: CeGaT Center For Human Genetics Tuebingen Variant Classification Criteria Version 2. Collection method: clinical testing. Allele origin: germline. Affected: yes. Observed: 1 variant allele.
Comment: JMJD1C: BP4, BP7

Labcorp Genetics (formerly Invitae), Labcorp
Classification: Likely benign for Early Myoclonic Encephalopathy. Last evaluated: 2025-11-24. Review status: criteria provided, single submitter. Criteria: Invitae Variant Classification Sherloc (09022015). Collection method: clinical testing. Allele origin: germline.

PreventionGenetics, part of Exact Sciences
Classification: Likely benign for JMJD1C-related condition. Last evaluated: 2019-09-05. Review status: no assertion criteria provided. Collection method: clinical testing. Allele origin: germline. Not counted in ClinVar's aggregate classification.
Comment: This variant is classified as likely benign based on ACMG/AMP sequence variant interpretation guidelines (Richards et al. 2015 PMID: 25741868, with internal and published modifications).